The following is an entry in ClinVar:

NM_001845.6(COL4A1):c.19G>C (p.Val7Leu)

Gene: COL4A1 (collagen type IV alpha 1 chain; minus strand). Cytogenetic location: 13q34.
Variant type: single nucleotide variant.
Coding change: c.19G>C on transcript NM_001845.6 (MANE Select); coding-DNA position 19, G replaced by C.
Protein change: p.Val7Leu; replaces valine 7 with leucine.
Molecular consequence: missense variant.
Genome position (GRCh38, 1-based): chr13:110,307,009, C>G on the plus strand (G>C on the coding strand, the complement: COL4A1 is on the minus strand). VCF-style: chr13-110307009-C-G. GRCh37 (hg19) VCF-style: chr13-110959356-C-G.
Other names: c.19G>C, p.Val7Leu (NM_001303110.2); short protein forms V7L.
Identifiers: ClinVar variation 193216 (VCV000193216.29), dbSNP rs9515185, ClinGen allele CA200410.

ClinVar aggregate classification (germline): Benign. Review status: criteria provided, multiple submitters, no conflicts (2 of 4 stars). 13 submissions from 11 submitters: Benign (11). 2 of the submissions do not count toward it. Last evaluated 2026-02-04.

Conditions:
Brain small vessel disease 1 with or without ocular anomalies (BSVD1). Also called: Brain small vessel disease with or without ocular anomalies; PORENCEPHALY, TYPE 1, AUTOSOMAL DOMINANT; GOULD SYNDROME 1; BRAIN SMALL VESSEL DISEASE WITH HEMORRHAGE. Identifiers: Orphanet 2940, Orphanet 36383, Orphanet 99810, MedGen C4755307, MONDO:0008289, OMIM 175780.
Autosomal dominant familial hematuria-retinal arteriolar tortuosity-contractures syndrome. Also called: Hereditary Angiopathy with Nephropathy, Aneurysms, and Muscle Cramps (HANAC) Syndrome; Angiopathy, hereditary, with nephropathy, aneurysms, and muscle cramps. Identifiers: Orphanet 73229, MedGen C2673195, MONDO:0012726, OMIM 611773.

Allele frequency attached by ClinVar (database versions not stated): gnomAD 0.36168 and 0.37052; TOPMed 0.37902; gnomAD exomes 0.41273 and 0.43543; 1000 Genomes Project 30x 0.41786; 1000 Genomes Project 0.42412; ExAC 0.48236.
gnomAD v4.1: 602,887 of 1,473,912 alleles (41%); highest among the groups gnomAD compares: East Asian, 60%; 126,325 homozygotes.

Submissions (13):

Labcorp Genetics (formerly Invitae), Labcorp
Classification: Benign. Last evaluated: 2026-02-04. Review status: criteria provided, single submitter. Criteria: Invitae Variant Classification Sherloc (09022015). Collection method: clinical testing. Allele origin: germline.

Blueprint Genetics
Classification: Benign. Last evaluated: 2024-11-27. Review status: criteria provided, single submitter. Criteria: ACMG Guidelines, 2015. Collection method: clinical testing. Allele origin: germline.

Genome-Nilou Lab
Classification: Benign for Autosomal dominant familial hematuria-retinal arteriolar tortuosity-contractures syndrome. Last evaluated: 2021-07-22. Review status: criteria provided, single submitter. Criteria: ACMG Guidelines, 2015. Collection method: clinical testing. Allele origin: germline. Affected: no.

Genome-Nilou Lab
Classification: Benign for Brain small vessel disease 1 with or without ocular anomalies. Last evaluated: 2021-07-22. Review status: criteria provided, single submitter. Criteria: ACMG Guidelines, 2015. Collection method: clinical testing. Allele origin: germline. Affected: no.

Athena Diagnostics
Classification: Benign. Last evaluated: 2021-06-02. Review status: criteria provided, single submitter. Criteria: Athena Diagnostics criteria. Collection method: clinical testing. Allele origin: unknown.

GeneDx
Classification: Benign. Last evaluated: 2018-01-15. Review status: criteria provided, single submitter. Criteria: GeneDx Variant Classification (06012015). Collection method: clinical testing. Allele origin: germline. Affected: yes.
Comment: This variant is considered likely benign or benign based on one or more of the following criteria: it is a conservative change, it occurs at a poorly conserved position in the protein, it is predicted to be benign by multiple in silico algorithms, and/or has population frequency not consistent with disease.

Illumina Laboratory Services, Illumina
Classification: Benign for Brain small vessel disease 1 with or without ocular anomalies. Last evaluated: 2018-01-12. Review status: criteria provided, single submitter. Criteria: ICSL Variant Classification Criteria 13 December 2019. Collection method: clinical testing. Allele origin: germline.
Comment: This variant was observed in the ICSL laboratory as part of a predisposition screen in an ostensibly healthy population. It had not been previously curated by ICSL or reported in the Human Gene Mutation Database (HGMD: prior to June 1st, 2018), and was therefore a candidate for classification through an automated scoring system. Utilizing variant allele frequency, disease prevalence and penetrance estimates, and inheritance mode, an automated score was calculated to assess if this variant is too frequent to cause the disease. Based on the score and internal cut-off values, a variant classified as benign is not then subjected to further curation. The score for this variant resulted in a classification of benign for this disease.

Illumina Laboratory Services, Illumina
Classification: Benign for Autosomal dominant familial hematuria-retinal arteriolar tortuosity-contractures syndrome. Last evaluated: 2018-01-12. Review status: criteria provided, single submitter. Criteria: ICSL Variant Classification Criteria 13 December 2019. Collection method: clinical testing. Allele origin: germline.
Comment: the same text as in the submission from Illumina Laboratory Services, Illumina above.

Eurofins Ntd Llc (ga)
Classification: Benign. Last evaluated: 2016-05-23. Review status: criteria provided, single submitter. Criteria: EGL Classification Definitions 2015. Collection method: clinical testing. Allele origin: germline. Observed: 34 variant alleles, 22 heterozygotes, 11 homozygotes.

Breakthrough Genomics
Classification: Benign. Review status: criteria provided, single submitter. Criteria: ACMG Guidelines, 2015. Collection method: not provided. Allele origin: germline. Inheritance: Autosomal dominant inheritance. Affected: yes.

PreventionGenetics, part of Exact Sciences
Classification: Benign. Review status: criteria provided, single submitter. Criteria: ACMG Guidelines, 2015. Collection method: clinical testing. Allele origin: germline.

Clinical Genetics DNA and cytogenetics Diagnostics Lab, Erasmus MC, Erasmus Medical Center
Classification: Benign. Review status: no assertion criteria provided. Collection method: clinical testing. Allele origin: germline. Affected: yes. Study: VKGL Data-share Consensus. Not counted in ClinVar's aggregate classification.

Joint Genome Diagnostic Labs from Nijmegen and Maastricht, Radboudumc and MUMC+
Classification: Benign. Review status: no assertion criteria provided. Collection method: clinical testing. Allele origin: germline. Affected: yes. Study: VKGL Data-share Consensus. Not counted in ClinVar's aggregate classification.